The following is an entry in ClinVar:

ClinVar aggregate classification (germline): Uncertain significance (1 of 4 stars; one submission).

Conditions:
Inborn genetic diseases. Identifiers: MedGen C0950123, MeSH D030342.

gnomAD v4.1: 1 of 1,614,004 alleles (0.000062%); highest among the groups gnomAD compares: Non-Finnish European, 0.000085%; no homozygotes.

Submission:

Ambry Genetics
Classification: Uncertain significance for Inborn genetic diseases. Last evaluated: 2024-11-28. Review status: criteria provided, single submitter. Criteria: Ambry Variant Classification Scheme 2023. Collection method: clinical testing. Allele origin: germline.
Comment: The p.R460Q variant (also known as c.1379G>A), located in coding exon 15 of the FANCA gene, results from a G to A substitution at nucleotide position 1379. The arginine at codon 460 is replaced by glutamine, an amino acid with highly similar properties. This amino acid position is conserved. In addition, the in silico prediction for this alteration is inconclusive. Based on the available evidence, the clinical significance of this variant remains unclear.

NM_000135.4(FANCA):c.1379G>A (p.Arg460Gln)

Gene: FANCA (FA complementation group A; minus strand). Cytogenetic location: 16q24.3.
Variant type: single nucleotide variant.
Coding change: c.1379G>A on transcript NM_000135.4 (MANE Select); coding-DNA position 1379, G replaced by A.
Protein change: p.Arg460Gln; replaces arginine 460 with glutamine.
Molecular consequence: missense variant.
Genome position (GRCh38, 1-based): chr16:89,784,945, C>T on the plus strand (G>A on the coding strand, the complement: FANCA is on the minus strand). VCF-style: chr16-89784945-C-T. GRCh37 (hg19) VCF-style: chr16-89851353-C-T.
Other names: c.1379G>A, p.Arg460Gln (NM_001286167.3); short protein forms R460Q.
Identifiers: ClinVar variation 3512685 (VCV003512685.1).
Genomic context (GRCh38, chr16:89,784,945, plus strand): 5'-AGTTCTGACAAGAACGTAAACAGGAAGACCAGGGCCTTCTTGCTGCAGCCATGGTAGCCT[C>T]GTGTGCTCCCAAAGGAGGCCTGTGTGGAGAGAAGAGCGTGAAGCCCAGGACAGCCAGGCG-3'
Protein context (NP_000126.2, residues 450-470): DWFKASFGST[Arg460Gln]GYHGCSKKAL